The following is an entry in ClinVar:

NM_001378778.1(MPDZ):c.1054T>G (p.Ser352Ala)

Gene: MPDZ (multiple PDZ domain crumbs cell polarity complex component; minus strand). Cytogenetic location: 9p23.
Variant type: single nucleotide variant.
Coding change: c.1054T>G on transcript NM_001378778.1 (MANE Select); coding-DNA position 1054, T replaced by G.
Protein change: p.Ser352Ala; replaces serine 352 with alanine.
Molecular consequence: missense variant.
Genome position (GRCh38, 1-based): chr9:13,219,591, A>C on the plus strand (T>G on the coding strand, the complement: MPDZ is on the minus strand). VCF-style: chr9-13219591-A-C. GRCh37 (hg19) VCF-style: chr9-13219590-A-C.
Other names: c.1054T>G, p.Ser352Ala (NM_001261406.2, NM_001261407.2, NM_001330637.2 and 14 more transcripts); short protein forms S352A.
Identifiers: ClinVar variation 1469972 (VCV001469972.6), dbSNP rs2136218670, ClinGen allele CA372945529.

ClinVar aggregate classification (germline): Uncertain significance (1 of 4 stars; one submission).

Allele frequency attached by ClinVar (database versions not stated): gnomAD exomes below 0.00001.

Submission:

Labcorp Genetics (formerly Invitae), Labcorp
Classification: Uncertain significance. Last evaluated: 2022-04-26. Review status: criteria provided, single submitter. Criteria: Invitae Variant Classification Sherloc (09022015). Collection method: clinical testing. Allele origin: germline.
Comment: This sequence change replaces serine, which is neutral and polar, with alanine, which is neutral and non-polar, at codon 352 of the MPDZ protein (p.Ser352Ala). This variant is not present in population databases (gnomAD no frequency). This variant has not been reported in the literature in individuals affected with MPDZ-related conditions. Algorithms developed to predict the effect of missense changes on protein structure and function are either unavailable or do not agree on the potential impact of this missense change (SIFT: "Deleterious"; PolyPhen-2: "Benign"; Align-GVGD: "Class C65"). In summary, the available evidence is currently insufficient to determine the role of this variant in disease. Therefore, it has been classified as a Variant of Uncertain Significance.